The following is an entry in ClinVar:

ClinVar aggregate classification (germline): Likely pathogenic. Review status: criteria provided, multiple submitters, no conflicts (2 of 4 stars). 2 submissions from 2 submitters: Likely pathogenic (2). Last evaluated 2019-01-20.

Conditions:
Autosomal recessive limb-girdle muscular dystrophy. Identifiers: Orphanet 102015, MedGen C2931907, MONDO:0015152.
Miyoshi muscular dystrophy 1 (MMD1). Identifiers: Orphanet 45448, MedGen C4551973, MONDO:0024545, OMIM 254130.
Autosomal recessive limb-girdle muscular dystrophy type 2B (LGMDR2). Also called: Limb-girdle muscular dystrophy, type 2B; MUSCULAR DYSTROPHY, LIMB-GIRDLE, AUTOSOMAL RECESSIVE 2; MUSCULAR DYSTROPHY, LIMB-GIRDLE, TYPE 3; Limb-Girdle Muscular Dystrophy Type 2B (LGMD2B). Identifiers: Orphanet 268, MedGen C1850889, MONDO:0009676, OMIM 253601.
Distal myopathy with anterior tibial onset. Identifiers: Orphanet 178400, MedGen C1847532, MONDO:0011721, OMIM 606768.

Submissions (2):

Myriad Genetics, Inc.
Classification: Likely pathogenic for Autosomal recessive limb-girdle muscular dystrophy. Last evaluated: 2019-01-20. Review status: criteria provided, single submitter. Criteria: Myriad Autosomal Dominant, Autosomal Recessive and X-Linked Classification Criteria (2023). Collection method: clinical testing. Allele origin: unknown.
Comment: NM_003494.3(DYSF):c.1330C>T(Q444*) is expected to be pathogenic in the context of dysferlinopathy. This variant is predicted to lead to an abnormal or absent protein product due to the creation of a premature termination codon in DYSF, a gene where loss-of-function variants are known to be pathogenic. Please note: this variant was assessed in the context of healthy population screening.

Juno Genomics, Hangzhou Juno Genomics, Inc
Classification: Likely pathogenic for Miyoshi muscular dystrophy 1; Autosomal recessive limb-girdle muscular dystrophy type 2B; Distal myopathy with anterior tibial onset. Review status: criteria provided, single submitter. Criteria: ACMG Guidelines, 2015. Collection method: clinical testing. Allele origin: germline.
Comment: Null variant in a gene where loss of function (LOF) is a known mechanism of disease.;Absent from controls (or at extremely low frequency if recessive) in Genome Aggregation Database.

NM_001130987.2(DYSF):c.1426C>T (p.Gln476Ter)

Gene: DYSF (dysferlin; plus strand). Cytogenetic location: 2p13.2.
Variant type: single nucleotide variant.
Coding change: c.1426C>T on transcript NM_001130987.2 (MANE Select); coding-DNA position 1426, C replaced by T.
Protein change: p.Gln476Ter; replaces glutamine 476 with a stop codon.
Molecular consequence: nonsense.
Genome position (GRCh38, 1-based): chr2:71,535,066, C>T. VCF-style: chr2-71535066-C-T. GRCh37 (hg19) VCF-style: chr2-71762196-C-T.
Other names: c.1333C>T, p.Gln445Ter (NM_001130455.2, NM_001130983.2, NM_001130984.2 and 1 more transcripts); c.1330C>T, p.Gln444Ter (NM_001130976.2, NM_001130977.2, NM_001130978.2 and 1 more transcripts); c.1423C>T, p.Gln475Ter (NM_001130979.2, NM_001130980.2, NM_001130981.2); c.1426C>T, p.Gln476Ter (NM_001130982.2, NM_001130985.2); short protein forms Q444*, Q445*, Q475*, Q476*.
Identifiers: ClinVar variation 984233 (VCV000984233.6), dbSNP rs2089169741, ClinGen allele CA347215677.